The following is an entry in ClinVar:

ClinVar aggregate classification (germline): Conflicting classifications of pathogenicity. Review status: criteria provided, conflicting classifications (1 of 4 stars). 2 submissions from 2 submitters: Uncertain significance (1); Likely benign (1). Last evaluated 2025-10-21.

Conditions:
Severe combined immunodeficiency due to DNA-PKcs deficiency. Also called: IMMUNODEFICIENCY 26 WITH NEUROLOGIC ABNORMALITIES; Immunodeficiency 26 with or without neurologic abnormalities. Identifiers: Orphanet 317425, MedGen C4014833, MONDO:0014423, OMIM 615966.

Allele frequency attached by ClinVar (database versions not stated): gnomAD exomes below 0.00001 and 0.00002; gnomAD 0.00001; TOPMed 0.00001.
gnomAD v4.1: 12 of 1,613,900 alleles (0.00074%); highest among the groups gnomAD compares: Non-Finnish European, 0.001%; no homozygotes.

Submissions (2):

Labcorp Genetics (formerly Invitae), Labcorp
Classification: Likely benign for Severe combined immunodeficiency due to DNA-PKcs deficiency. Last evaluated: 2025-10-21. Review status: criteria provided, single submitter. Criteria: Invitae Variant Classification Sherloc (09022015). Collection method: clinical testing. Allele origin: germline.

Baylor Genetics
Classification: Uncertain significance for Severe combined immunodeficiency due to DNA-PKcs deficiency. Last evaluated: 2018-02-09. Review status: criteria provided, single submitter. Criteria: ACMG Guidelines, 2015. Collection method: clinical testing. Allele origin: maternal. Affected: yes.
Comment: This variant was determined to be of uncertain significance according to ACMG Guidelines, 2015 [PMID:25741868].

NM_006904.7(PRKDC):c.7080T>C (p.Phe2360=)

Gene: PRKDC (protein kinase, DNA-activated, catalytic subunit; minus strand). Cytogenetic location: 8q11.21.
Variant type: single nucleotide variant.
Coding change: c.7080T>C on transcript NM_006904.7 (MANE Select); coding-DNA position 7080, T replaced by C.
Protein change: p.Phe2360=; no amino-acid change (phenylalanine 2360 retained).
Molecular consequence: synonymous variant.
Genome position (GRCh38, 1-based): chr8:47,849,429, A>G on the plus strand (T>C on the coding strand, the complement: PRKDC is on the minus strand). VCF-style: chr8-47849429-A-G. GRCh37 (hg19) VCF-style: chr8-48761990-A-G.
Other names: c.7080T>C, p.Phe2360= (NM_001081640.2).
Identifiers: ClinVar variation 1033163 (VCV001033163.9), dbSNP rs1463023336, ClinGen allele CA460605837.